The following is an entry in ClinVar:

ClinVar aggregate classification (germline): Likely pathogenic (1 of 4 stars; one submission).

Submission:

GeneDx
Classification: Likely pathogenic. Last evaluated: 2024-08-08. Review status: criteria provided, single submitter. Criteria: GeneDx Variant Classification Process June 2021. Collection method: clinical testing. Allele origin: germline. Affected: yes.
Comment: Nonsense variant predicted to result in protein truncation as the last 70 amino acids are lost, although loss-of-function variants have not been reported downstream of this position in the protein; Not observed at significant frequency in large population cohorts (gnomAD); This variant is associated with the following publications: (PMID: 27447704, 28685322)

NM_000252.3(MTM1):c.1601G>A (p.Trp534Ter)

Gene: MTM1 (myotubularin 1; plus strand). Cytogenetic location: Xq28.
Variant type: single nucleotide variant.
Coding change: c.1601G>A on transcript NM_000252.3 (MANE Select); coding-DNA position 1601, G replaced by A.
Protein change: p.Trp534Ter; replaces tryptophan 534 with a stop codon.
Molecular consequence: nonsense.
Genome position (GRCh38, 1-based): chrX:150,663,566, G>A. VCF-style: chrX-150663566-G-A. GRCh37 (hg19) VCF-style: chrX-149832039-G-A.
Other names: c.1601G>A, p.Trp534Ter (NM_001376906.1, NM_001376908.1); c.1490G>A, p.Trp497Ter (NM_001376907.1); short protein forms W497*, W534*.
Identifiers: ClinVar variation 3602926 (VCV003602926.1).
Genomic context (GRCh38, chrX:150,663,566, plus strand): 5'-ATACTAAAGAAATCAATCGAGTTTTATATCCAGTTGCCAGTATGCGTCACTTGGAACTCT[G>A]GGTGAATTACTACATTAGATGGAACCCCAGGATCAAGCAACAAGTAAGTGAAGTAGCACT-3'